The following is an entry in ClinVar:

NM_001430.5(EPAS1):c.84C>G (p.Ser28Arg)

Gene: EPAS1 (endothelial PAS domain protein 1; plus strand). Cytogenetic location: 2p21.
Variant type: single nucleotide variant.
Coding change: c.84C>G on transcript NM_001430.5 (MANE Select); coding-DNA position 84, C replaced by G.
Protein change: p.Ser28Arg; replaces serine 28 with arginine.
Molecular consequence: missense variant.
Genome position (GRCh38, 1-based): chr2:46,346,930, C>G. VCF-style: chr2-46346930-C-G. GRCh37 (hg19) VCF-style: chr2-46574069-C-G.
Other names: short protein forms S28R.
Identifiers: ClinVar variation 1763627 (VCV001763627.2), dbSNP rs2546439835, ClinGen allele CA346696970.

ClinVar aggregate classification (germline): Uncertain significance (1 of 4 stars; one submission).

Conditions:
Inborn genetic diseases. Identifiers: MedGen C0950123, MeSH D030342.

Submission:

Ambry Genetics
Classification: Uncertain significance for Inborn genetic diseases. Last evaluated: 2021-11-03. Review status: criteria provided, single submitter. Criteria: Ambry Variant Classification Scheme 2023. Collection method: clinical testing. Allele origin: germline.
Comment: The p.S28R variant (also known as c.84C>G), located in coding exon 2 of the EPAS1 gene, results from a C to G substitution at nucleotide position 84. The serine at codon 28 is replaced by arginine, an amino acid with dissimilar properties. This amino acid position is conserved. In addition, the in silico prediction for this alteration is inconclusive. Since supporting evidence is limited at this time, the clinical significance of this alteration remains unclear.